The following is an entry in ClinVar:

NM_003803.4(MYOM1):c.4333G>A (p.Asp1445Asn)

Gene: MYOM1 (myomesin 1; minus strand). Cytogenetic location: 18p11.31.
Variant type: single nucleotide variant.
Coding change: c.4333G>A on transcript NM_003803.4 (MANE Select); coding-DNA position 4333, G replaced by A.
Protein change: p.Asp1445Asn; replaces aspartic acid 1445 with asparagine.
Molecular consequence: missense variant.
Genome position (GRCh38, 1-based): chr18:3,085,051, C>T on the plus strand (G>A on the coding strand, the complement: MYOM1 is on the minus strand). VCF-style: chr18-3085051-C-T. GRCh37 (hg19) VCF-style: chr18-3085049-C-T.
Other names: c.4045G>A, p.Asp1349Asn (NM_019856.2); short protein forms D1445N, D1349N.
Identifiers: ClinVar variation 2157118 (VCV002157118.5), dbSNP rs1218895641, ClinGen allele CA401710162.

ClinVar aggregate classification (germline): Uncertain significance. Review status: criteria provided, multiple submitters, no conflicts (2 of 4 stars). 2 submissions from 2 submitters: Uncertain significance (2). Last evaluated 2025-10-01.

Conditions:
Hypertrophic cardiomyopathy. Also called: HYPERTROPHIC MYOCARDIOPATHY. Identifiers: Orphanet 217569, MedGen C0007194, MeSH D002312, MONDO:0005045, HP:0001639.

Allele frequency attached by ClinVar (database versions not stated): TOPMed below 0.00001; gnomAD exomes 0.00001.
gnomAD v4.1: 3 of 1,603,578 alleles (0.00019%); highest among the groups gnomAD compares: Admixed American, 0.0034%; no homozygotes.

Submissions (2):

Ambry Genetics
Classification: Uncertain significance. Last evaluated: 2025-10-01. Review status: criteria provided, single submitter. Criteria: Ambry Variant Classification Scheme 2023. Collection method: clinical testing. Allele origin: germline.
Comment: The p.D1445N variant (also known as c.4333G>A), located in coding exon 30 of the MYOM1 gene, results from a G to A substitution at nucleotide position 4333. The aspartic acid at codon 1445 is replaced by asparagine, an amino acid with highly similar properties. This amino acid position is conserved. In addition, this alteration is predicted to be tolerated by in silico analysis. Based on the available evidence, the clinical significance of this variant remains unclear.

Labcorp Genetics (formerly Invitae), Labcorp
Classification: Uncertain significance for Hypertrophic cardiomyopathy. Last evaluated: 2025-09-09. Review status: criteria provided, single submitter. Criteria: Invitae Variant Classification Sherloc (09022015). Collection method: clinical testing. Allele origin: germline.
Comment: This sequence change replaces aspartic acid, which is acidic and polar, with asparagine, which is neutral and polar, at codon 1445 of the MYOM1 protein (p.Asp1445Asn). The frequency data for this variant in the population databases is considered unreliable, as metrics indicate poor data quality at this position in the gnomAD database. This variant has not been reported in the literature in individuals affected with MYOM1-related conditions. ClinVar contains an entry for this variant (Variation ID: 2157118). Invitae Evidence Modeling of protein sequence and biophysical properties (such as structural, functional, and spatial information, amino acid conservation, physicochemical variation, residue mobility, and thermodynamic stability) has been performed for this missense variant. However, the output from this modeling did not meet the statistical confidence thresholds required to predict the impact of this variant on MYOM1 protein function. In summary, the available evidence is currently insufficient to determine the role of this variant in disease. Therefore, it has been classified as a Variant of Uncertain Significance.